The following is an entry in ClinVar:

NM_000257.4(MYH7):c.1280T>C (p.Leu427Pro)

Gene: MYH7 (myosin heavy chain 7; minus strand). Cytogenetic location: 14q11.2.
Variant type: single nucleotide variant.
Coding change: c.1280T>C on transcript NM_000257.4 (MANE Select); coding-DNA position 1280, T replaced by C.
Protein change: p.Leu427Pro; replaces leucine 427 with proline.
Molecular consequence: missense variant.
Genome position (GRCh38, 1-based): chr14:23,429,082, A>G on the plus strand (T>C on the coding strand, the complement: MYH7 is on the minus strand). VCF-style: chr14-23429082-A-G. GRCh37 (hg19) VCF-style: chr14-23898291-A-G.
Other names: c.1280T>C, p.Leu427Pro (NM_001407004.1); short protein forms L427P.
Identifiers: ClinVar variation 3230894 (VCV003230894.1), dbSNP rs2502302369, ClinGen allele CA389050959.

ClinVar aggregate classification (germline): Uncertain significance (1 of 4 stars; one submission).

Conditions:
Cardiovascular phenotype. Identifiers: MedGen CN230736.

Submission:

Ambry Genetics
Classification: Uncertain significance for Cardiovascular phenotype. Last evaluated: 2024-01-02. Review status: criteria provided, single submitter. Criteria: Ambry Variant Classification Scheme 2023. Collection method: clinical testing. Allele origin: germline.
Comment: The p.L427P variant (also known as c.1280T>C), located in coding exon 12 of the MYH7 gene, results from a T to C substitution at nucleotide position 1280. The leucine at codon 427 is replaced by proline, an amino acid with similar properties. This amino acid position is highly conserved in available vertebrate species. In addition, this alteration is predicted to be deleterious by in silico analysis. Since supporting evidence is limited at this time, the clinical significance of this alteration remains unclear.